The following is an entry in ClinVar:

ClinVar aggregate classification (germline): Benign/Likely benign. Review status: criteria provided, multiple submitters, no conflicts (2 of 4 stars). 3 submissions from 3 submitters: Benign (1); Likely benign (2). Last evaluated 2026-04-01.

Allele frequency attached by ClinVar (database versions not stated): TOPMed 0.00130; gnomAD 0.00133; 1000 Genomes Project 0.00160; 1000 Genomes Project 30x 0.00172.

Submissions (3):

CeGaT Center for Human Genetics Tuebingen
Classification: Likely benign. Last evaluated: 2026-04-01. Review status: criteria provided, single submitter. Criteria: CeGaT Center For Human Genetics Tuebingen Variant Classification Criteria Version 2. Collection method: clinical testing. Allele origin: germline. Affected: yes. Observed: 5 variant alleles.
Comment: ZBTB7A: BP4, BP7, BS1

Labcorp Genetics (formerly Invitae), Labcorp
Classification: Likely benign. Last evaluated: 2021-02-05. Review status: criteria provided, single submitter. Criteria: Invitae Variant Classification Sherloc (09022015). Collection method: clinical testing. Allele origin: germline.

Breakthrough Genomics
Classification: Benign. Review status: criteria provided, single submitter. Criteria: ACMG Guidelines, 2015. Collection method: not provided. Allele origin: germline. Inheritance: Autosomal dominant inheritance. Affected: yes.

NM_015898.4(ZBTB7A):c.1536G>A (p.Pro512=)

Gene: ZBTB7A (zinc finger and BTB domain containing 7A; minus strand). Cytogenetic location: 19p13.3.
Variant type: single nucleotide variant.
Coding change: c.1536G>A on transcript NM_015898.4 (MANE Select); coding-DNA position 1536, G replaced by A.
Protein change: p.Pro512=; no amino-acid change (proline 512 retained).
Molecular consequence: synonymous variant.
Genome position (GRCh38, 1-based): chr19:4,047,971, C>T on the plus strand (G>A on the coding strand, the complement: ZBTB7A is on the minus strand). VCF-style: chr19-4047971-C-T. GRCh37 (hg19) VCF-style: chr19-4047969-C-T.
Other names: c.1536G>A, p.Pro512= (NM_001317990.2).
Identifiers: ClinVar variation 1627039 (VCV001627039.21), dbSNP rs572062539, ClinGen allele CA9090390.